The following is an entry in ClinVar:

ClinVar aggregate classification (germline): Uncertain significance (1 of 4 stars; one submission).

gnomAD v4.1: 4 of 1,614,112 alleles (0.00025%); highest among the groups gnomAD compares: Non-Finnish European, 0.00025%; no homozygotes.

Submission:

Labcorp Genetics (formerly Invitae), Labcorp
Classification: Uncertain significance. Last evaluated: 2025-01-07. Review status: criteria provided, single submitter. Criteria: Invitae Variant Classification Sherloc (09022015). Collection method: clinical testing. Allele origin: germline.
Comment: This sequence change replaces proline, which is neutral and non-polar, with serine, which is neutral and polar, at codon 431 of the TNFAIP3 protein (p.Pro431Ser). This variant is present in population databases (no rsID available, gnomAD 0.0009%). This variant has not been reported in the literature in individuals affected with TNFAIP3-related conditions. Invitae Evidence Modeling of protein sequence and biophysical properties (such as structural, functional, and spatial information, amino acid conservation, physicochemical variation, residue mobility, and thermodynamic stability) indicates that this missense variant is not expected to disrupt TNFAIP3 protein function with a negative predictive value of 80%. In summary, the available evidence is currently insufficient to determine the role of this variant in disease. Therefore, it has been classified as a Variant of Uncertain Significance.

NM_001270508.2(TNFAIP3):c.1291C>T (p.Pro431Ser)

Gene: TNFAIP3 (TNF alpha induced protein 3; plus strand). Cytogenetic location: 6q23.3.
Variant type: single nucleotide variant.
Coding change: c.1291C>T on transcript NM_001270508.2 (MANE Select); coding-DNA position 1291, C replaced by T.
Protein change: p.Pro431Ser; replaces proline 431 with serine.
Molecular consequence: missense variant.
Genome position (GRCh38, 1-based): chr6:137,878,736, C>T. VCF-style: chr6-137878736-C-T. GRCh37 (hg19) VCF-style: chr6-138199873-C-T.
Other names: c.1291C>T, p.Pro431Ser (NM_001270507.2, NM_006290.4); short protein forms P431S.
Identifiers: ClinVar variation 3679818 (VCV003679818.2).
Genomic context (GRCh38, chr6:137,878,736, plus strand): 5'-CGGCAAAAGAATCAAAACAAACTCCCAAAGCTGAACTCCAAGCCGGGCCCTGAGGGGCTC[C>T]CTGGCATGGCGCTCGGGGCCTCTCGGGGAGAAGCCTATGAGCCCTTGGCGTGGAACCCTG-3'
Protein context (NP_001257437.1, residues 421-441): LNSKPGPEGL[Pro431Ser]GMALGASRGE